The following is an entry in ClinVar:

NM_012062.5(DNM1L):c.1737T>C (p.Asp579=)

Gene: DNM1L (dynamin 1L; plus strand). Cytogenetic location: 12p11.21.
Variant type: single nucleotide variant.
Coding change: c.1737T>C on transcript NM_012062.5 (MANE Select); coding-DNA position 1737, T replaced by C.
Protein change: p.Asp579=; no amino-acid change (aspartic acid 579 retained).
Molecular consequence: synonymous variant.
Genome position (GRCh38, 1-based): chr12:32,740,093, T>C. VCF-style: chr12-32740093-T-C. GRCh37 (hg19) VCF-style: chr12-32893027-T-C.
Other names: c.1704T>C, p.Asp568= (NM_001278463.2); c.1776T>C, p.Asp592= (NM_001278464.2); c.1743T>C, p.Asp581= (NM_001278465.2); c.1128T>C, p.Asp376= (NM_001278466.2); c.1665T>C, p.Asp555= (NM_001330380.2); c.1626T>C, p.Asp542= (NM_005690.5); c.1659T>C, p.Asp553= (NM_012063.4).
Identifiers: ClinVar variation 2642840 (VCV002642840.24), dbSNP rs1256741791, ClinGen allele CA479386624.

ClinVar aggregate classification (germline): Likely benign (1 of 4 stars; one submission).

Allele frequency attached by ClinVar (database versions not stated): gnomAD exomes 0.00001.
gnomAD v4.1: 10 of 1,614,186 alleles (0.00062%); highest among the groups gnomAD compares: Non-Finnish European, 0.00085%; no homozygotes.

Submission:

CeGaT Center for Human Genetics Tuebingen
Classification: Likely benign. Last evaluated: 2022-08-01. Review status: criteria provided, single submitter. Criteria: CeGaT Center For Human Genetics Tuebingen Variant Classification Criteria Version 2. Collection method: clinical testing. Allele origin: germline. Affected: yes. Observed: 1 variant allele.
Comment: DNM1L: BP4, BP7